The following is an entry in ClinVar:

ClinVar aggregate classification (germline): Uncertain significance (1 of 4 stars; one submission).

Conditions:
Progressive sclerosing poliodystrophy (MTDPS4A). Also called: NEURONAL DEGENERATION OF CHILDHOOD WITH LIVER DISEASE, PROGRESSIVE; Alpers Syndrome; ALPERS DIFFUSE DEGENERATION OF CEREBRAL GRAY MATTER WITH HEPATIC CIRRHOSIS; Alpers-Huttenlocher Syndrome; Mitochondrial DNA depletion syndrome 4A (Alpers type); Mitochondrial DNA Depletion Syndrome 4A. Identifiers: Orphanet 726, MedGen C0205710, MONDO:0008758, OMIM 203700.

Submission:

Labcorp Genetics (formerly Invitae), Labcorp
Classification: Uncertain significance for Progressive sclerosing poliodystrophy. Last evaluated: 2020-12-22. Review status: criteria provided, single submitter. Criteria: Invitae Variant Classification Sherloc (09022015). Collection method: clinical testing. Allele origin: germline.
Comment: Algorithms developed to predict the effect of missense changes on protein structure and function are either unavailable or do not agree on the potential impact of this missense change (SIFT: "Tolerated"; PolyPhen-2: "Possibly Damaging"; Align-GVGD: "Class C0"). This sequence change replaces valine with leucine at codon 825 of the POLG protein (p.Val825Leu). The valine residue is moderately conserved and there is a small physicochemical difference between valine and leucine. This variant is not present in population databases (ExAC no frequency). This variant has not been reported in the literature in individuals with POLG-related conditions. In summary, the available evidence is currently insufficient to determine the role of this variant in disease. Therefore, it has been classified as a Variant of Uncertain Significance.

NM_002693.3(POLG):c.2473G>T (p.Val825Leu)

Gene: POLG (DNA polymerase gamma, catalytic subunit; minus strand). Cytogenetic location: 15q26.1.
Variant type: single nucleotide variant.
Coding change: c.2473G>T on transcript NM_002693.3 (MANE Select); coding-DNA position 2473, G replaced by T.
Protein change: p.Val825Leu; replaces valine 825 with leucine.
Molecular consequence: missense variant.
Genome position (GRCh38, 1-based): chr15:89,321,969, C>A on the plus strand (G>T on the coding strand, the complement: POLG is on the minus strand). VCF-style: chr15-89321969-C-A. GRCh37 (hg19) VCF-style: chr15-89865200-C-A.
Other names: c.2473G>T, p.Val825Leu (NM_001126131.2); short protein forms V825L.
Identifiers: ClinVar variation 1358983 (VCV001358983.7), dbSNP rs1344797678, ClinGen allele CA393754932.
Genomic context (GRCh38, chr15:89,321,969, plus strand): 5'-CCTACCACCTCACCTCAGTTCTCCTATCCCTACAACCACTCAGCAGACCATACCTGATCA[C>A]AGCACGGGGCAGAGCTGACCTGGGCAGCCACACCACCATCTGGGAGCTGTGGGGACAGAC-3'
Protein context (NP_002684.1, residues 815-835): WLPRSALPRA[Val825Leu]IRHPDYDEEG